The following is an entry in ClinVar:

NM_022725.4(FANCF):c.559A>G (p.Arg187Gly)

Gene: FANCF (FA complementation group F; minus strand). Cytogenetic location: 11p14.3.
Variant type: single nucleotide variant.
Coding change: c.559A>G on transcript NM_022725.4 (MANE Select); coding-DNA position 559, A replaced by G.
Protein change: p.Arg187Gly; replaces arginine 187 with glycine.
Molecular consequence: missense variant.
Genome position (GRCh38, 1-based): chr11:22,625,252, T>C on the plus strand (A>G on the coding strand, the complement: FANCF is on the minus strand). VCF-style: chr11-22625252-T-C. GRCh37 (hg19) VCF-style: chr11-22646798-T-C.
Other names: short protein forms R187G.
Identifiers: ClinVar variation 998328 (VCV000998328.8), dbSNP rs540547787, ClinGen allele CA5924311.
Genomic context (GRCh38, chr11:22,625,252, plus strand): 5'-CCGCTATCACCTTCAGGAAGTTGTTCTGAGGCAAGCGCTCCCACAGGCTGCTGAGAAACC[T>C]GGCGGGACGCTCCGCTTCGGCCTTCCCCACCTCCTGCAGACGCTCCAGCAGCAGCTCCGC-3'
Protein context (NP_073562.1, residues 177-197): VGKAEAERPA[Arg187Gly]FLSSLWERLP

ClinVar aggregate classification (germline): Uncertain significance. Review status: criteria provided, multiple submitters, no conflicts (2 of 4 stars). 2 submissions from 2 submitters: Uncertain significance (2). Last evaluated 2023-12-06.

Conditions:
Fanconi anemia (FA). Also called: Fanconi's anemia. Identifiers: Orphanet 84, MedGen C0015625, MeSH D005199, MONDO:0019391.
Fanconi anemia complementation group F. Also called: FANCF-Related Fanconi Anemia. Identifiers: Orphanet 84, MedGen C3469526, MONDO:0011325, OMIM 603467.

Allele frequency attached by ClinVar (database versions not stated): gnomAD exomes 0.00004; ExAC 0.00005; 1000 Genomes Project 30x 0.00031; 1000 Genomes Project 0.00040.

Submissions (2):

Labcorp Genetics (formerly Invitae), Labcorp
Classification: Uncertain significance for Fanconi anemia. Last evaluated: 2023-12-06. Review status: criteria provided, single submitter. Criteria: Invitae Variant Classification Sherloc (09022015). Collection method: clinical testing. Allele origin: germline.
Comment: This sequence change replaces arginine, which is basic and polar, with glycine, which is neutral and non-polar, at codon 187 of the FANCF protein (p.Arg187Gly). This variant is present in population databases (rs540547787, gnomAD 0.03%). This variant has not been reported in the literature in individuals affected with FANCF-related conditions. ClinVar contains an entry for this variant (Variation ID: 998328). Advanced modeling of protein sequence and biophysical properties (such as structural, functional, and spatial information, amino acid conservation, physicochemical variation, residue mobility, and thermodynamic stability) performed at Invitae indicates that this missense variant is not expected to disrupt FANCF protein function with a negative predictive value of 80%. In summary, the available evidence is currently insufficient to determine the role of this variant in disease. Therefore, it has been classified as a Variant of Uncertain Significance.

Baylor Genetics
Classification: Uncertain significance for Fanconi anemia complementation group F. Last evaluated: 2019-08-24. Review status: criteria provided, single submitter. Criteria: ACMG Guidelines, 2015. Collection method: clinical testing. Allele origin: unknown. Affected: yes. Study: CSER-TexasKidsCanSeq.
Comment: This variant was determined to be of uncertain significance according to ACMG Guidelines, 2015 [PMID:25741868].